The following is an entry in ClinVar:

ClinVar aggregate classification (germline): Likely pathogenic. Review status: criteria provided, multiple submitters, no conflicts (2 of 4 stars). 3 submissions from 3 submitters: Likely pathogenic (3). Last evaluated 2024-04-15.

Conditions:
Nephrogenic diabetes insipidus. Identifiers: Orphanet 223, MedGen C0162283, MONDO:0016383, HP:0009806.
Diabetes insipidus, nephrogenic, autosomal (NDI2). Also called: Diabetes insipidus, nephrogenic, 2, autosomal; Nephrogenic Diabetes Insipidus, Type II. Identifiers: Orphanet 223, MedGen C1563706, MONDO:0007451, OMIM 125800.

Submissions (3):

Natera, Inc.
Classification: Likely pathogenic for Nephrogenic diabetes insipidus. Last evaluated: 2024-04-15. Review status: criteria provided, single submitter. Criteria: Natera Variant Classification Schema (03/2026). Collection method: clinical testing. Allele origin: germline.
Comment: The c.607-1G>A variant in AQP2 is a canonical splice acceptor site variant predicted to affect pre-mRNA splicing, which may result in an abnormal transcript and altered protein product. This variant may result in a truncated or dysfunctional protein product. This variant is rare in the general population with a frequency below the threshold expected for the associated phenotype(s). This variant has been observed in one or more individuals affected with the associated recessive disease, as either homozygous or compound heterozygous with a second variant (PMID: 34177810, 14599123). Given the available evidence, this variant is classified as Likely Pathogenic.

Labcorp Genetics (formerly Invitae), Labcorp
Classification: Likely pathogenic. Last evaluated: 2022-05-27. Review status: criteria provided, single submitter. Criteria: Invitae Variant Classification Sherloc (09022015). Collection method: clinical testing. Allele origin: germline.
Comment: This variant is not present in population databases (gnomAD no frequency). In summary, the currently available evidence indicates that the variant is pathogenic, but additional data are needed to prove that conclusively. Therefore, this variant has been classified as Likely Pathogenic. Variants that disrupt the consensus splice site are a relatively common cause of aberrant splicing (PMID: 17576681, 9536098). Algorithms developed to predict the effect of sequence changes on RNA splicing suggest that this variant may disrupt the consensus splice site. This variant is also known as 1502-1G>A or IVS3-1G>A. Disruption of this splice site has been observed in individual(s) with autosomal recessive nephrogenic diabetes insipidus (PMID: 14599123, 34177810). In at least one individual the data is consistent with being in trans (on the opposite chromosome) from a pathogenic variant. This sequence change affects an acceptor splice site in intron 3 of the AQP2 gene. While this variant is not anticipated to result in nonsense mediated decay, it likely alters RNA splicing and results in a disrupted protein product.

Juno Genomics, Hangzhou Juno Genomics, Inc
Classification: Likely pathogenic for Diabetes insipidus, nephrogenic, autosomal. Review status: criteria provided, single submitter. Criteria: ACMG Guidelines, 2015. Collection method: clinical testing. Allele origin: germline.
Comment: Absent from controls (or at extremely low frequency if recessive) in Genome Aggregation Database.;Null variant in a gene where loss of function (LOF) is a known mechanism of disease.;For recessive disorders, detected in trans with a pathogenic variant.;Patient's phenotype or family history is highly specific for a disease with a single genetic etiology.

Literature cited by the submitters: PubMed 34177810 (cited by Natera, Inc. and Labcorp Genetics (formerly Invitae), Labcorp); PubMed 14599123 (cited by Natera, Inc. and Labcorp Genetics (formerly Invitae), Labcorp); PubMed 17576681 (cited by Labcorp Genetics (formerly Invitae), Labcorp); PubMed 9536098 (cited by Labcorp Genetics (formerly Invitae), Labcorp).

NM_000486.6(AQP2):c.607-1G>A

Genes: AQP2 (aquaporin 2; plus strand), AQP5-AS1 (AQP5 and AQP2 antisense RNA 2; minus strand). Cytogenetic location: 12q13.12.
Variant type: single nucleotide variant.
Coding change: c.607-1G>A on transcript NM_000486.6 (MANE Select); the canonical splice acceptor site of the intron before coding-DNA position 607, G replaced by A.
Molecular consequence: splice acceptor variant.
Genome position (GRCh38, 1-based): chr12:49,955,398, G>A. VCF-style: chr12-49955398-G-A. GRCh37 (hg19) VCF-style: chr12-50349181-G-A.
Other names: c.607-1G>A (NM_000486.5).
Identifiers: ClinVar variation 2137366 (VCV002137366.7), dbSNP rs2547998844, ClinGen allele CA384775381.